The following is an entry in ClinVar:

ClinVar aggregate classification (germline): Likely pathogenic (1 of 4 stars; one submission).

Conditions:
Townes-Brocks syndrome 1 (TBS1). Also called: DEAFNESS, SENSORINEURAL, WITH IMPERFORATE ANUS AND THUMB ANOMALIES; REAR SYNDROME; RENAL-EAR-ANAL-RADIAL SYNDROME; SALL1-Related Townes-Brocks Syndrome. Identifiers: Orphanet 857, MedGen C4551481, MONDO:0054581, OMIM 107480.

Submission:

MVZ Medizinische Genetik Mainz
Classification: Likely pathogenic for Townes-Brocks syndrome 1. Last evaluated: 2023-09-08. Review status: criteria provided, single submitter. Criteria: UK Practice Guidelines For Variant Classification V4 01 2020. Collection method: clinical testing. Allele origin: germline. Inheritance: Autosomal dominant inheritance. Affected: yes. Observed: 1 variant allele.
Comment: ACMG Criteria: PVS1, PM2_SUP (ACMG Version 4)

NM_002968.3(SALL1):c.724del (p.His242fs)

Gene: SALL1 (spalt like transcription factor 1; minus strand). Cytogenetic location: 16q12.1.
Variant type: Deletion.
Coding change: c.724del on transcript NM_002968.3 (MANE Select); coding-DNA position 724, one base deleted (C; older notation c.724delC).
Protein change: p.His242fs; shifts the reading frame from histidine 242.
Molecular consequence: frameshift variant.
Genome position (GRCh38, 1-based): chr16:51,141,498, G deleted on the plus strand (C on the coding strand, the reverse complement: SALL1 is on the minus strand); the first of 2 consecutive G bases (chr16:51,141,498-51,141,499); deleting either gives the same sequence. VCF-style (leftmost placement, unchanged base first): chr16-51141497-TG-T. GRCh37 (hg19) VCF-style: chr16-51175408-TG-T.
Other names: c.433del, p.His145fs (NM_001127892.2); short protein forms H145fs, H242fs.
Identifiers: ClinVar variation 3236775 (VCV003236775.1), dbSNP rs2506495554.